The following is an entry in ClinVar:

ClinVar aggregate classification (germline): Uncertain significance (1 of 4 stars; one submission).

Conditions:
DPAGT1-congenital disorder of glycosylation. Also called: CONGENITAL DISORDER OF GLYCOSYLATION, TYPE Ij; DPAGT1-CDG; CDG Ij. Identifiers: Orphanet 86309, MedGen C2931004, MONDO:0011964, OMIM 608093.
Congenital myasthenic syndrome 13 (CMS13). Also called: Myasthenic syndrome, congenital, 13, with tubular aggregates; Myasthenic syndrome, congenital, with tubular aggregates 2. Identifiers: Orphanet 353327, Orphanet 590, MedGen C3553645, MONDO:0013883, OMIM 614750.

gnomAD v4.1: 2 of 1,614,076 alleles (0.00012%); highest among the groups gnomAD compares: Non-Finnish European, 0.00017%; no homozygotes.

Submission:

Labcorp Genetics (formerly Invitae), Labcorp
Classification: Uncertain significance for Congenital myasthenic syndrome 13; DPAGT1-congenital disorder of glycosylation. Last evaluated: 2024-04-09. Review status: criteria provided, single submitter. Criteria: Invitae Variant Classification Sherloc (09022015). Collection method: clinical testing. Allele origin: germline.
Comment: This sequence change replaces tyrosine, which is neutral and polar, with cysteine, which is neutral and slightly polar, at codon 406 of the DPAGT1 protein (p.Tyr406Cys). This variant is present in population databases (rs753954658, gnomAD 0.0009%). This variant has not been reported in the literature in individuals affected with DPAGT1-related conditions. Advanced modeling of protein sequence and biophysical properties (such as structural, functional, and spatial information, amino acid conservation, physicochemical variation, residue mobility, and thermodynamic stability) performed at Invitae indicates that this missense variant is expected to disrupt DPAGT1 protein function with a positive predictive value of 80%. In summary, the available evidence is currently insufficient to determine the role of this variant in disease. Therefore, it has been classified as a Variant of Uncertain Significance.

NM_001382.4(DPAGT1):c.1217A>G (p.Tyr406Cys)

Gene: DPAGT1 (dolichyl-phosphate N-acetylglucosaminephosphotransferase 1; minus strand). Cytogenetic location: 11q23.3.
Variant type: single nucleotide variant.
Coding change: c.1217A>G on transcript NM_001382.4 (MANE Select); coding-DNA position 1217, A replaced by G.
Protein change: p.Tyr406Cys; replaces tyrosine 406 with cysteine.
Molecular consequence: missense variant.
Genome position (GRCh38, 1-based): chr11:119,097,008, T>C on the plus strand (A>G on the coding strand, the complement: DPAGT1 is on the minus strand). VCF-style: chr11-119097008-T-C. GRCh37 (hg19) VCF-style: chr11-118967718-T-C.
Other names: short protein forms Y406C.
Identifiers: ClinVar variation 3758400 (VCV003758400.2).